The following is an entry in ClinVar:

ClinVar aggregate classification (germline): Pathogenic (1 of 4 stars; one submission).

Conditions:
Donnai-Barrow syndrome. Also called: DBS/FOAR SYNDROME; FACIOOCULOACOUSTICORENAL SYNDROME. Identifiers: Orphanet 2143, MedGen C1857277, MONDO:0009104, OMIM 222448.

gnomAD v4.1: 2 of 1,614,062 alleles (0.00012%); highest among the groups gnomAD compares: Non-Finnish European, 0.00017%; no homozygotes.

Submission:

Myriad Genetics, Inc.
Classification: Pathogenic for Donnai-Barrow syndrome. Last evaluated: 2025-03-01. Review status: criteria provided, single submitter. Criteria: Myriad Autosomal Dominant, Autosomal Recessive and X-Linked Classification Criteria (2023). Collection method: clinical testing. Allele origin: unknown.
Comment: NM_004525.2(LRP2):c.8830C>T(Q2944*) is expected to be pathogenic in the context of Donnai-Barrow syndrome. This variant is predicted to lead to an abnormal or absent protein product due to the creation of a premature termination codon in LRP2, a gene where loss-of-function variants are known to be pathogenic. Please note: this variant was assessed in the context of healthy population screening.

NM_004525.3(LRP2):c.8830C>T (p.Gln2944Ter)

Gene: LRP2 (LDL receptor related protein 2; minus strand). Cytogenetic location: 2q31.1.
Variant type: single nucleotide variant.
Coding change: c.8830C>T on transcript NM_004525.3 (MANE Select); coding-DNA position 8830, C replaced by T.
Protein change: p.Gln2944Ter; replaces glutamine 2944 with a stop codon.
Molecular consequence: nonsense.
Genome position (GRCh38, 1-based): chr2:169,193,761, G>A on the plus strand (C>T on the coding strand, the complement: LRP2 is on the minus strand). VCF-style: chr2-169193761-G-A. GRCh37 (hg19) VCF-style: chr2-170050271-G-A.
Other names: short protein forms Q2944*.
Identifiers: ClinVar variation 5014162 (VCV005014162.1).
Genomic context (GRCh38, chr2:169,193,761, plus strand): 5'-CAACTCTACTGTGTTTCCCTGGAATGTGACTCTGCAGAGGAATTAATTGGCTTCACTTAC[G>A]ACACTGGTGCCTTTTATCCTCGTCACTCATATCCCCACAGTCATTATCACCGTCACAGAT-3'